The following is an entry in ClinVar:

ClinVar aggregate classification (germline): Uncertain significance. Review status: criteria provided, multiple submitters, no conflicts (2 of 4 stars). 4 submissions from 4 submitters: Uncertain significance (4). Last evaluated 2026-04-14.

Conditions:
Inborn genetic diseases. Identifiers: MedGen C0950123, MeSH D030342.
Congenital myotonia, autosomal dominant form (THD). Also called: THOMSEN DISEASE; Myotonia congenita autosomal dominant. Identifiers: Orphanet 614, MedGen C2936781, MONDO:0008055, OMIM 160800.
Congenital myotonia, autosomal recessive form. Also called: BECKER DISEASE; myotonia congenita, autosomal recessive; Becker Generalized Myotonia. Identifiers: Orphanet 614, MedGen C0751360, MONDO:0009715, OMIM 255700.

Allele frequency attached by ClinVar (database versions not stated): gnomAD exomes below 0.00001.
gnomAD v4.1: 6 of 1,614,184 alleles (0.00037%); highest among the groups gnomAD compares: Non-Finnish European, 0.00051%; no homozygotes.

Submissions (4):

GeneDx
Classification: Uncertain significance. Last evaluated: 2026-04-14. Review status: criteria provided, single submitter. Criteria: GeneDx Variant Classification Process June 2021. Collection method: clinical testing. Allele origin: germline.
Comment: Not observed at significant frequency in large population cohorts (gnomAD); In silico analysis suggests that this missense variant does not alter protein structure/function; Has not been previously published as pathogenic or benign to our knowledge

Labcorp Genetics (formerly Invitae), Labcorp
Classification: Uncertain significance for Congenital myotonia, autosomal recessive form; Congenital myotonia, autosomal dominant form. Last evaluated: 2024-01-26. Review status: criteria provided, single submitter. Criteria: Invitae Variant Classification Sherloc (09022015). Collection method: clinical testing. Allele origin: germline.
Comment: This sequence change replaces serine, which is neutral and polar, with tyrosine, which is neutral and polar, at codon 933 of the CLCN1 protein (p.Ser933Tyr). This variant is present in population databases (no rsID available, gnomAD 0.0009%). This variant has not been reported in the literature in individuals affected with CLCN1-related conditions. ClinVar contains an entry for this variant (Variation ID: 656306). Advanced modeling of protein sequence and biophysical properties (such as structural, functional, and spatial information, amino acid conservation, physicochemical variation, residue mobility, and thermodynamic stability) performed at Invitae indicates that this missense variant is not expected to disrupt CLCN1 protein function with a negative predictive value of 95%. Algorithms developed to predict the effect of sequence changes on RNA splicing suggest that this variant may create or strengthen a splice site. In summary, the available evidence is currently insufficient to determine the role of this variant in disease. Therefore, it has been classified as a Variant of Uncertain Significance.

Ambry Genetics
Classification: Uncertain significance for Inborn genetic diseases. Last evaluated: 2022-12-06. Review status: criteria provided, single submitter. Criteria: Ambry Variant Classification Scheme 2023. Collection method: clinical testing. Allele origin: germline.

Revvity Omics, Revvity
Classification: Uncertain significance. Last evaluated: 2019-10-11. Review status: criteria provided, single submitter. Criteria: ACMG Guidelines, 2015. Collection method: clinical testing. Allele origin: germline.

NM_000083.3(CLCN1):c.2798C>A (p.Ser933Tyr)

Gene: CLCN1 (chloride voltage-gated channel 1; plus strand). Cytogenetic location: 7q34.
Variant type: single nucleotide variant.
Coding change: c.2798C>A on transcript NM_000083.3 (MANE Select); coding-DNA position 2798, C replaced by A.
Protein change: p.Ser933Tyr; replaces serine 933 with tyrosine.
Molecular consequence: missense variant. On other transcripts: non-coding transcript variant (1).
Genome position (GRCh38, 1-based): chr7:143,351,796, C>A. VCF-style: chr7-143351796-C-A. GRCh37 (hg19) VCF-style: chr7-143048889-C-A.
Other names: short protein forms S933Y.
Identifiers: ClinVar variation 656306 (VCV000656306.13), dbSNP rs1448219970, ClinGen allele CA369653830.